The following is an entry in ClinVar:

ClinVar aggregate classification (germline): Uncertain significance. Review status: criteria provided, multiple submitters, no conflicts (2 of 4 stars). 2 submissions from 2 submitters: Uncertain significance (2). Last evaluated 2025-06-06.

Conditions:
Kabuki syndrome. Also called: NIIKAWA-KUROKI SYNDROME; Kabuki make-up syndrome. Identifiers: Orphanet 2322, MedGen C0796004, MONDO:0016512.
Inborn genetic diseases. Identifiers: MedGen C0950123, MeSH D030342.

Submissions (2):

Ambry Genetics
Classification: Uncertain significance for Inborn genetic diseases. Last evaluated: 2025-06-06. Review status: criteria provided, single submitter. Criteria: Ambry Variant Classification Scheme 2023. Collection method: clinical testing. Allele origin: germline.
Comment: The c.8046+5G>A intronic alteration consists of a G to A substitution nucleotides after coding exon 31 in the KMT2D gene. Based on insufficient or conflicting evidence, the clinical significance of this alteration remains unclear.

Labcorp Genetics (formerly Invitae), Labcorp
Classification: Uncertain significance for Kabuki syndrome. Last evaluated: 2024-11-04. Review status: criteria provided, single submitter. Criteria: Invitae Variant Classification Sherloc (09022015). Collection method: clinical testing. Allele origin: germline.
Comment: This sequence change falls in intron 31 of the KMT2D gene. It does not directly change the encoded amino acid sequence of the KMT2D protein. It affects a nucleotide within the consensus splice site. This variant is not present in population databases (gnomAD no frequency). This variant has not been reported in the literature in individuals affected with KMT2D-related conditions. Variants that disrupt the consensus splice site are a relatively common cause of aberrant splicing (PMID: 17576681, 9536098). Algorithms developed to predict the effect of sequence changes on RNA splicing suggest that this variant is not likely to affect RNA splicing. In summary, the available evidence is currently insufficient to determine the role of this variant in disease. Therefore, it has been classified as a Variant of Uncertain Significance.

Literature cited by the submitters: PubMed 17576681 (cited by Labcorp Genetics (formerly Invitae), Labcorp); PubMed 9536098 (cited by Labcorp Genetics (formerly Invitae), Labcorp).

NM_003482.4(KMT2D):c.8046+5G>A

Gene: KMT2D (lysine methyltransferase 2D; minus strand). Cytogenetic location: 12q13.12.
Variant type: single nucleotide variant.
Coding change: c.8046+5G>A on transcript NM_003482.4 (MANE Select); 5 bases into the intron after coding-DNA position 8046, G replaced by A.
Molecular consequence: intron variant.
Genome position (GRCh38, 1-based): chr12:49,039,719, C>T on the plus strand (G>A on the coding strand, the complement: KMT2D is on the minus strand). VCF-style: chr12-49039719-C-T. GRCh37 (hg19) VCF-style: chr12-49433502-C-T.
Other names: c.8046+5G>A (NM_003482.3).
Identifiers: ClinVar variation 3691511 (VCV003691511.3).
Genomic context (GRCh38, chr12:49,039,719, plus strand): 5'-CAATCATAGGGCTGCCCCAGAGACAGGAGCGATATAGGGGGCTTAGCTCCAGGGTGTCAA[C>T]TTACCTGCCGTTGCTTCTCCAGCTCTGTTTGGCTAAGGCCGGACATGCCTGGGTCCTGGG-3'